The following is an entry in ClinVar:

ClinVar aggregate classification (germline): Uncertain significance. Review status: criteria provided, multiple submitters, no conflicts (2 of 4 stars). 2 submissions from 2 submitters: Uncertain significance (2). Last evaluated 2024-02-27.

Conditions:
Inborn genetic diseases. Identifiers: MedGen C0950123, MeSH D030342.
Mendelian susceptibility to mycobacterial diseases due to complete IL12RB1 deficiency. Also called: Immunodeficiency 30; IL12RB1 DEFICIENCY. Identifiers: Orphanet 319552, MedGen C4013949, MONDO:0013955, OMIM 614891.

Allele frequency attached by ClinVar (database versions not stated): gnomAD exomes 0.00001; gnomAD 0.00002 and 0.00001.
gnomAD v4.1: 9 of 1,603,550 alleles (0.00056%); highest among the groups gnomAD compares: Non-Finnish European, 0.00077%; no homozygotes.

Submissions (2):

Ambry Genetics
Classification: Uncertain significance for Inborn genetic diseases. Last evaluated: 2024-02-27. Review status: criteria provided, single submitter. Criteria: Ambry Variant Classification Scheme 2023. Collection method: clinical testing. Allele origin: germline.

Labcorp Genetics (formerly Invitae), Labcorp
Classification: Uncertain significance for Mendelian susceptibility to mycobacterial diseases due to complete IL12RB1 deficiency. Last evaluated: 2019-04-03. Review status: criteria provided, single submitter. Criteria: Invitae Variant Classification Sherloc (09022015). Collection method: clinical testing. Allele origin: germline.
Comment: In summary, the available evidence is currently insufficient to determine the role of this variant in disease. Therefore, it has been classified as a Variant of Uncertain Significance. Algorithms developed to predict the effect of missense changes on protein structure and function output the following: SIFT: "Tolerated"; PolyPhen-2: "Benign"; Align-GVGD: "Class C0". The asparagine amino acid residue is found in multiple mammalian species, suggesting that this missense change does not adversely affect protein function. These predictions have not been confirmed by published functional studies and their clinical significance is uncertain. This variant has not been reported in the literature in individuals with IL12RB1-related conditions. This variant is not present in population databases (ExAC no frequency). This sequence change replaces aspartic acid with asparagine at codon 251 of the IL12RB1 protein (p.Asp251Asn). The aspartic acid residue is weakly conserved and there is a small physicochemical difference between aspartic acid and asparagine.

NM_005535.3(IL12RB1):c.751G>A (p.Asp251Asn)

Gene: IL12RB1 (interleukin 12 receptor subunit beta 1; minus strand). Cytogenetic location: 19p13.11.
Variant type: single nucleotide variant.
Coding change: c.751G>A on transcript NM_005535.3 (MANE Select); coding-DNA position 751, G replaced by A.
Protein change: p.Asp251Asn; replaces aspartic acid 251 with asparagine.
Molecular consequence: missense variant.
Genome position (GRCh38, 1-based): chr19:18,073,549, C>T on the plus strand (G>A on the coding strand, the complement: IL12RB1 is on the minus strand). VCF-style: chr19-18073549-C-T. GRCh37 (hg19) VCF-style: chr19-18184359-C-T.
Other names: c.751G>A, p.Asp251Asn (NM_001290023.2, NM_153701.3); c.871G>A, p.Asp291Asn (NM_001290024.2); short protein forms D251N, D291N.
Identifiers: ClinVar variation 844953 (VCV000844953.10), dbSNP rs938796180, ClinGen allele CA306163753.